The following is an entry in ClinVar:

NM_004273.5(CHST3):c.916G>A (p.Val306Met)

Gene: CHST3 (carbohydrate sulfotransferase 3; plus strand). Cytogenetic location: 10q22.1.
Variant type: single nucleotide variant.
Coding change: c.916G>A on transcript NM_004273.5 (MANE Select); coding-DNA position 916, G replaced by A.
Protein change: p.Val306Met; replaces valine 306 with methionine.
Molecular consequence: missense variant.
Genome position (GRCh38, 1-based): chr10:72,007,947, G>A. VCF-style: chr10-72007947-G-A. GRCh37 (hg19) VCF-style: chr10-73767705-G-A.
Other names: short protein forms V306M.
Identifiers: ClinVar variation 1506270 (VCV001506270.7), dbSNP rs1564532505, ClinGen allele CA377147995.
Genomic context (GRCh38, chr10:72,007,947, plus strand): 5'-CTGGCCGAGGACCCCCGCCTGGACCTGCGCGTCATCCAGCTGGTGCGCGACCCCCGGGCC[G>A]TGCTGGCCTCGCGCATGGTGGCCTTCGCCGGCAAGTATAAGACCTGGAAGAAGTGGCTGG-3'
Protein context (NP_004264.2, residues 296-316): VIQLVRDPRA[Val306Met]LASRMVAFAG

ClinVar aggregate classification (germline): Uncertain significance (1 of 4 stars; one submission).

Conditions:
Spondyloepiphyseal dysplasia with congenital joint dislocations (SEDCJD). Also called: Chondrodysplasia with Congenital Joint Dislocations, CHST3-Related. Identifiers: Orphanet 263463, MedGen C1837657, MONDO:0007738, OMIM 143095.

Allele frequency attached by ClinVar (database versions not stated): gnomAD exomes below 0.00001.
gnomAD v4.1: 1 of 1,550,054 alleles (0.000065%); highest among the groups gnomAD compares: Non-Finnish European, 0.000087%; no homozygotes.

Submission:

Labcorp Genetics (formerly Invitae), Labcorp
Classification: Uncertain significance for Spondyloepiphyseal dysplasia with congenital joint dislocations. Last evaluated: 2021-03-02. Review status: criteria provided, single submitter. Criteria: Invitae Variant Classification Sherloc (09022015). Collection method: clinical testing. Allele origin: germline.
Comment: This sequence change replaces valine with methionine at codon 306 of the CHST3 protein (p.Val306Met). The valine residue is highly conserved and there is a small physicochemical difference between valine and methionine. The frequency data for this variant in the population databases is considered unreliable, as metrics indicate insufficient coverage at this position in the ExAC database. This variant has not been reported in the literature in individuals with CHST3-related conditions. Algorithms developed to predict the effect of missense changes on protein structure and function are either unavailable or do not agree on the potential impact of this missense change (SIFT: "Deleterious"; PolyPhen-2: "Probably Damaging"; Align-GVGD: "Class C0"). In summary, the available evidence is currently insufficient to determine the role of this variant in disease. Therefore, it has been classified as a Variant of Uncertain Significance.